The following is an entry in ClinVar:

NM_006204.4(PDE6C):c.1483-1G>T

Gene: PDE6C (phosphodiesterase 6C; plus strand). Cytogenetic location: 10q23.33.
Variant type: single nucleotide variant.
Coding change: c.1483-1G>T on transcript NM_006204.4 (MANE Select); the canonical splice acceptor site of the intron before coding-DNA position 1483, G replaced by T.
Molecular consequence: splice acceptor variant.
Genome position (GRCh38, 1-based): chr10:93,640,069, G>T. VCF-style: chr10-93640069-G-T. GRCh37 (hg19) VCF-style: chr10-95399826-G-T.
Identifiers: ClinVar variation 863605 (VCV000863605.12), dbSNP rs2058551505, ClinGen allele CA377617229.

ClinVar aggregate classification (germline): Pathogenic (1 of 4 stars; one submission).

Submission:

Labcorp Genetics (formerly Invitae), Labcorp
Classification: Pathogenic. Last evaluated: 2023-08-24. Review status: criteria provided, single submitter. Criteria: Invitae Variant Classification Sherloc (09022015). Collection method: clinical testing. Allele origin: germline.
Comment: For these reasons, this variant has been classified as Pathogenic. Algorithms developed to predict the effect of sequence changes on RNA splicing suggest that this variant may disrupt the consensus splice site. ClinVar contains an entry for this variant (Variation ID: 863605). Disruption of this splice site has been observed in individual(s) with achromatopsia (PMID: 19887631). It has also been observed to segregate with disease in related individuals. This variant is not present in population databases (gnomAD no frequency). This sequence change affects an acceptor splice site in intron 11 of the PDE6C gene. It is expected to disrupt RNA splicing. Variants that disrupt the donor or acceptor splice site typically lead to a loss of protein function (PMID: 16199547), and loss-of-function variants in PDE6C are known to be pathogenic (PMID: 19887631, 23776498, 26103963, 30080950).

Literature cited by the submitters: PubMed 19887631; PubMed 16199547; PubMed 23776498; PubMed 26103963; PubMed 30080950.